The following is an entry in ClinVar:

ClinVar aggregate classification (germline): Likely benign. Review status: criteria provided, single submitter (1 of 4 stars). 2 submissions from 2 submitters: Likely benign (1). 1 of the submissions does not count toward it. Last evaluated 2018-06-29.

Conditions:
ACACB-related disorder. Also called: ACACB-related condition.

Allele frequency attached by ClinVar (database versions not stated): gnomAD exomes 0.00019; ExAC 0.00025; gnomAD 0.00029 and 0.00031; TOPMed 0.00029; ESP Exome Variant Server 0.00031.
gnomAD v4.1: 827 of 1,595,650 alleles (0.052%); highest among the groups gnomAD compares: Non-Finnish European, 0.068%; no homozygotes.

Submissions (2):

Labcorp Genetics (formerly Invitae), Labcorp
Classification: Likely benign. Last evaluated: 2018-06-29. Review status: criteria provided, single submitter. Criteria: Invitae Variant Classification Sherloc (09022015). Collection method: clinical testing. Allele origin: germline.

PreventionGenetics, part of Exact Sciences
Classification: Likely benign for ACACB-related condition. Last evaluated: 2023-04-26. Review status: no assertion criteria provided. Collection method: clinical testing. Allele origin: germline. Not counted in ClinVar's aggregate classification.
Comment: This variant is classified as likely benign based on ACMG/AMP sequence variant interpretation guidelines (Richards et al. 2015 PMID: 25741868, with internal and published modifications).

NM_001093.4(ACACB):c.2550C>T (p.His850=)

Gene: ACACB (acetyl-CoA carboxylase beta; plus strand). Cytogenetic location: 12q24.11.
Variant type: single nucleotide variant.
Coding change: c.2550C>T on transcript NM_001093.4 (MANE Select); coding-DNA position 2550, C replaced by T.
Protein change: p.His850=; no amino-acid change (histidine 850 retained).
Molecular consequence: synonymous variant.
Genome position (GRCh38, 1-based): chr12:109,197,076, C>T. VCF-style: chr12-109197076-C-T. GRCh37 (hg19) VCF-style: chr12-109634881-C-T.
Identifiers: ClinVar variation 742596 (VCV000742596.5), dbSNP rs138898549, ClinGen allele CA6773677.